The following is an entry in ClinVar:

NM_002693.3(POLG):c.1412G>C (p.Cys471Ser)

Gene: POLG (DNA polymerase gamma, catalytic subunit; minus strand). Cytogenetic location: 15q26.1.
Variant type: single nucleotide variant.
Coding change: c.1412G>C on transcript NM_002693.3 (MANE Select); coding-DNA position 1412, G replaced by C.
Protein change: p.Cys471Ser; replaces cysteine 471 with serine.
Molecular consequence: missense variant.
Genome position (GRCh38, 1-based): chr15:89,327,188, C>G on the plus strand (G>C on the coding strand, the complement: POLG is on the minus strand). VCF-style: chr15-89327188-C-G. GRCh37 (hg19) VCF-style: chr15-89870419-C-G.
Other names: c.1412G>C, p.Cys471Ser (NM_001126131.2); short protein forms C471S.
Identifiers: ClinVar variation 2699003 (VCV002699003.3), dbSNP rs2055533783, ClinGen allele CA393761592.

ClinVar aggregate classification (germline): Uncertain significance (1 of 4 stars; one submission).

Conditions:
Progressive sclerosing poliodystrophy (MTDPS4A). Also called: ALPERS PROGRESSIVE INFANTILE POLIODYSTROPHY; NEURONAL DEGENERATION OF CHILDHOOD WITH LIVER DISEASE, PROGRESSIVE; Mitochondrial DNA depletion syndrome 4A (Alpers type); Mitochondrial DNA Depletion Syndrome 4A; Alpers-Huttenlocher Syndrome (AHS); Alpers Syndrome. Identifiers: Orphanet 726, MedGen C0205710, MONDO:0008758, OMIM 203700.

Submission:

Labcorp Genetics (formerly Invitae), Labcorp
Classification: Uncertain significance for Progressive sclerosing poliodystrophy. Last evaluated: 2023-12-22. Review status: criteria provided, single submitter. Criteria: Invitae Variant Classification Sherloc (09022015). Collection method: clinical testing. Allele origin: germline.
Comment: This sequence change replaces cysteine, which is neutral and slightly polar, with serine, which is neutral and polar, at codon 471 of the POLG protein (p.Cys471Ser). This variant is not present in population databases (gnomAD no frequency). This variant has not been reported in the literature in individuals affected with POLG-related conditions. Advanced modeling of protein sequence and biophysical properties (such as structural, functional, and spatial information, amino acid conservation, physicochemical variation, residue mobility, and thermodynamic stability) performed at Invitae indicates that this missense variant is expected to disrupt POLG protein function with a positive predictive value of 95%. In summary, the available evidence is currently insufficient to determine the role of this variant in disease. Therefore, it has been classified as a Variant of Uncertain Significance.